The following is an entry in ClinVar:

ClinVar aggregate classification (germline): Likely benign (1 of 4 stars; one submission).

Allele frequency attached by ClinVar (database versions not stated): gnomAD 0.00001; TOPMed 0.00002.
gnomAD v4.1: 14 of 1,612,584 alleles (0.00087%); highest among the groups gnomAD compares: Admixed American, 0.0017%; no homozygotes.

Submission:

CeGaT Center for Human Genetics Tuebingen
Classification: Likely benign. Last evaluated: 2022-10-01. Review status: criteria provided, single submitter. Criteria: CeGaT Center For Human Genetics Tuebingen Variant Classification Criteria Version 2. Collection method: clinical testing. Allele origin: germline. Affected: yes. Observed: 1 variant allele.
Comment: CDC25B: BP4, BP7

NM_021873.4(CDC25B):c.516C>T (p.Pro172=)

Gene: CDC25B (cell division cycle 25B; plus strand). Cytogenetic location: 20p13.
Variant type: single nucleotide variant.
Coding change: c.516C>T on transcript NM_021873.4 (MANE Select); coding-DNA position 516, C replaced by T.
Protein change: p.Pro172=; no amino-acid change (proline 172 retained).
Molecular consequence: synonymous variant. On other transcripts: non-coding transcript variant (2), intron variant (3).
Genome position (GRCh38, 1-based): chr20:3,800,799, C>T. VCF-style: chr20-3800799-C-T. GRCh37 (hg19) VCF-style: chr20-3781446-C-T.
Other names: c.324C>T, p.Pro108= (NM_001287516.2, NM_001287518.2); c.282C>T, p.Pro94= (NM_001287517.2); c.180C>T, p.Pro60= (NM_001287519.2, NM_001287520.2); c.474C>T, p.Pro158= (NM_004358.5); c.124-172C>T (NM_001287522.2); c.460-172C>T (NM_021872.4); c.7-172C>T (NM_001287524.2).
Identifiers: ClinVar variation 2652190 (VCV002652190.24), dbSNP rs1345807284, ClinGen allele CA509563898.